The following is an entry in ClinVar:

ClinVar aggregate classification (germline): Uncertain significance (1 of 4 stars; one submission).

Conditions:
Arrhythmogenic right ventricular dysplasia 9 (ARVD9). Also called: Arrhythmogenic Right Ventricular Dysplasia/Cardiomyopathy 9; ARRHYTHMOGENIC RIGHT VENTRICULAR DYSPLASIA, FAMILIAL, 9. Identifiers: MedGen C1836906, MONDO:0012180, OMIM 609040.

Submission:

Labcorp Genetics (formerly Invitae), Labcorp
Classification: Uncertain significance for Arrhythmogenic right ventricular dysplasia 9. Last evaluated: 2025-11-21. Review status: criteria provided, single submitter. Criteria: Invitae Variant Classification Sherloc (09022015). Collection method: clinical testing. Allele origin: germline.
Comment: This sequence change replaces proline, which is neutral and non-polar, with threonine, which is neutral and polar, at codon 244 of the PKP2 protein (p.Pro244Thr). This variant is not present in population databases (gnomAD no frequency). This variant has not been reported in the literature in individuals affected with PKP2-related conditions. An algorithm developed to predict the effect of missense changes on protein structure and function (PolyPhen-2) suggests that this variant is likely to be disruptive. In summary, the available evidence is currently insufficient to determine the role of this variant in disease. Therefore, it has been classified as a Variant of Uncertain Significance.

NM_001005242.3(PKP2):c.730C>A (p.Pro244Thr)

Gene: PKP2 (plakophilin 2; minus strand). Cytogenetic location: 12p11.21.
Variant type: single nucleotide variant.
Coding change: c.730C>A on transcript NM_001005242.3 (MANE Select); coding-DNA position 730, C replaced by A.
Protein change: p.Pro244Thr; replaces proline 244 with threonine.
Molecular consequence: missense variant.
Genome position (GRCh38, 1-based): chr12:32,878,150, G>T on the plus strand (C>A on the coding strand, the complement: PKP2 is on the minus strand). VCF-style: chr12-32878150-G-T. GRCh37 (hg19) VCF-style: chr12-33031084-G-T.
Other names: c.730C>A, p.Pro244Thr (NM_001407155.1, NM_001407156.1, NM_001407157.1 and 2 more transcripts); c.403C>A, p.Pro135Thr (NM_001407158.1, NM_001407159.1, NM_001407160.1 and 1 more transcripts); short protein forms P244T, P135T.
Identifiers: ClinVar variation 4731645 (VCV004731645.1).